The following is an entry in ClinVar:

NM_000327.4(ROM1):c.974A>C (p.Gln325Pro)

Gene: ROM1 (retinal outer segment membrane protein 1; plus strand). Cytogenetic location: 11q12.3.
Variant type: single nucleotide variant.
Coding change: c.974A>C on transcript NM_000327.4 (MANE Select); coding-DNA position 974, A replaced by C.
Protein change: p.Gln325Pro; replaces glutamine 325 with proline.
Molecular consequence: missense variant.
Genome position (GRCh38, 1-based): chr11:62,614,757, A>C. VCF-style: chr11-62614757-A-C. GRCh37 (hg19) VCF-style: chr11-62382229-A-C.
Other names: short protein forms Q325P.
Identifiers: ClinVar variation 879757 (VCV000879757.8), dbSNP rs753460076, ClinGen allele CA6049891.

ClinVar aggregate classification (germline): Uncertain significance. Review status: criteria provided, multiple submitters, no conflicts (2 of 4 stars). 2 submissions from 2 submitters: Uncertain significance (2). Last evaluated 2022-07-20.

Conditions:
Retinitis pigmentosa (RP). Identifiers: Orphanet 791, MedGen C0035334, MeSH D012174, MONDO:0019200, OMIM 268000. Inheritance: Autosomal dominant, autosomal recessive and X linked inheritance.

Allele frequency attached by ClinVar (database versions not stated): ExAC 0.00001; gnomAD exomes 0.00001.
gnomAD v4.1: 4 of 1,614,206 alleles (0.00025%); highest among the groups gnomAD compares: Non-Finnish European, 0.00034%; no homozygotes.

Submissions (2):

Labcorp Genetics (formerly Invitae), Labcorp
Classification: Uncertain significance. Last evaluated: 2022-07-20. Review status: criteria provided, single submitter. Criteria: Invitae Variant Classification Sherloc (09022015). Collection method: clinical testing. Allele origin: germline.
Comment: This variant is present in population databases (rs753460076, gnomAD 0.002%). In summary, the available evidence is currently insufficient to determine the role of this variant in disease. Therefore, it has been classified as a Variant of Uncertain Significance. Algorithms developed to predict the effect of missense changes on protein structure and function are either unavailable or do not agree on the potential impact of this missense change (SIFT: "Deleterious"; PolyPhen-2: "Possibly Damaging"; Align-GVGD: "Class C15"). ClinVar contains an entry for this variant (Variation ID: 879757). This variant has not been reported in the literature in individuals affected with ROM1-related conditions. This sequence change replaces glutamine, which is neutral and polar, with proline, which is neutral and non-polar, at codon 325 of the ROM1 protein (p.Gln325Pro).

Illumina Laboratory Services, Illumina
Classification: Uncertain significance for Retinitis pigmentosa. Last evaluated: 2018-01-13. Review status: criteria provided, single submitter. Criteria: ICSL Variant Classification Criteria 13 December 2019. Collection method: clinical testing. Allele origin: germline.